The following is an entry in ClinVar:

ClinVar aggregate classification (germline): Uncertain significance (1 of 4 stars; one submission).

Allele frequency attached by ClinVar (database versions not stated): gnomAD 0.00001; gnomAD exomes 0.00001 and 0.00002; TOPMed 0.00003.
gnomAD v4.1: 25 of 1,614,000 alleles (0.0015%); highest among the groups gnomAD compares: Admixed American, 0.0033%; no homozygotes.

Submission:

Labcorp Genetics (formerly Invitae), Labcorp
Classification: Uncertain significance. Last evaluated: 2023-07-07. Review status: criteria provided, single submitter. Criteria: Invitae Variant Classification Sherloc (09022015). Collection method: clinical testing. Allele origin: germline.
Comment: In summary, the available evidence is currently insufficient to determine the role of this variant in disease. Therefore, it has been classified as a Variant of Uncertain Significance. Advanced modeling of protein sequence and biophysical properties (such as structural, functional, and spatial information, amino acid conservation, physicochemical variation, residue mobility, and thermodynamic stability) performed at Invitae indicates that this missense variant is not expected to disrupt TYR protein function. ClinVar contains an entry for this variant (Variation ID: 1484062). This variant has not been reported in the literature in individuals affected with TYR-related conditions. This variant is present in population databases (no rsID available, gnomAD 0.002%). This sequence change replaces cysteine, which is neutral and slightly polar, with tyrosine, which is neutral and polar, at codon 8 of the TYR protein (p.Cys8Tyr).

NM_000372.5(TYR):c.23G>A (p.Cys8Tyr)

Gene: TYR (tyrosinase; plus strand). Cytogenetic location: 11q14.3.
Variant type: single nucleotide variant.
Coding change: c.23G>A on transcript NM_000372.5 (MANE Select); coding-DNA position 23, G replaced by A.
Protein change: p.Cys8Tyr; replaces cysteine 8 with tyrosine.
Molecular consequence: missense variant.
Genome position (GRCh38, 1-based): chr11:89,177,976, G>A. VCF-style: chr11-89177976-G-A. GRCh37 (hg19) VCF-style: chr11-88911144-G-A.
Other names: short protein forms C8Y.
Identifiers: ClinVar variation 1484062 (VCV001484062.4), dbSNP rs922323302, ClinGen allele CA226289980.